The following is an entry in ClinVar:

ClinVar aggregate classification (germline): Likely pathogenic. Review status: criteria provided, single submitter (1 of 4 stars). 2 submissions from 2 submitters: Likely pathogenic (1). 1 of the submissions does not count toward it. Last evaluated 2023-02-01.

Conditions:
Congenital diarrhea 7 with exudative enteropathy. Also called: Diarrhea 7. Identifiers: Orphanet 329242, MedGen C4014516, MONDO:0014375, OMIM 615863.

Allele frequency attached by ClinVar (database versions not stated): gnomAD exomes below 0.00001 and 0.00001; ExAC 0.00001; gnomAD 0.00001; TOPMed 0.00002.
gnomAD v4.1: 17 of 1,613,792 alleles (0.0011%); highest among the groups gnomAD compares: Non-Finnish European, 0.0014%; no homozygotes.

Submissions (3):

Labcorp Genetics (formerly Invitae), Labcorp
Classification: Likely pathogenic. Last evaluated: 2023-02-01. Review status: criteria provided, single submitter. Criteria: Invitae Variant Classification Sherloc (09022015). Collection method: clinical testing. Allele origin: germline.
Comment: In summary, the currently available evidence indicates that the variant is pathogenic, but additional data are needed to prove that conclusively. Therefore, this variant has been classified as Likely Pathogenic. Algorithms developed to predict the effect of sequence changes on RNA splicing suggest that this variant may disrupt the consensus splice site. ClinVar contains an entry for this variant (Variation ID: 684435). Disruption of this splice site has been observed in individual(s) with clinical features of DGAT1-related conditions (PMID: 31778854). This variant is not present in population databases (gnomAD no frequency). This sequence change affects a donor splice site in intron 12 of the DGAT1 gene. It is expected to disrupt RNA splicing. Variants that disrupt the donor or acceptor splice site typically lead to a loss of protein function (PMID: 16199547), and loss-of-function variants in DGAT1 are known to be pathogenic (PMID: 29604290).

Medical College Of Wisconsin
Classification: Likely pathogenic for Congenital diarrhea 7 with exudative enteropathy. Last evaluated: 2019-08-13. Review status: no assertion criteria provided. Collection method: clinical testing. Allele origin: maternal. Inheritance: Autosomal recessive inheritance. Affected: yes. Observed: 1 compound heterozygote. Not counted in ClinVar's aggregate classification.

Dr. Peter K. Rogan Lab, Western University
No classification provided (evidence only). Condition: Lung cancer. Review status: no classification provided. Collection method: in vitro. Allele origin: not applicable. Functional consequence: retained intron. Not counted in ClinVar's aggregate classification.

Literature cited by the submitters: PubMed 31778854 (cited by Labcorp Genetics (formerly Invitae), Labcorp); PubMed 16199547 (cited by Labcorp Genetics (formerly Invitae), Labcorp); PubMed 29604290 (cited by Labcorp Genetics (formerly Invitae), Labcorp).

NM_012079.6(DGAT1):c.981+1G>T

Gene: DGAT1 (diacylglycerol O-acyltransferase 1; minus strand). Cytogenetic location: 8q24.3.
Variant type: single nucleotide variant.
Coding change: c.981+1G>T on transcript NM_012079.6 (MANE Select); the canonical splice donor site of the intron after coding-DNA position 981, G replaced by T.
Molecular consequence: splice donor variant.
Genome position (GRCh38, 1-based): chr8:144,317,543, C>A on the plus strand (G>T on the coding strand, the complement: DGAT1 is on the minus strand). VCF-style: chr8-144317543-C-A. GRCh37 (hg19) VCF-style: chr8-145541206-C-A.
Identifiers: ClinVar variation 684435 (VCV000684435.14), dbSNP rs781934305, ClinGen allele CA4936736.
Genomic context (GRCh38, chr8:144,317,543, plus strand): 5'-CCTTCCCCCACATGCCACTGTCCCCTCCTGTCCTGTGCATGCGCCACCTGTCCGCACTCA[C>A]CGCCAGCTTCAGGAGGCGCTCGATGATGCGTGAGTAGTCCATGTCCTGCAGAAACAAGCC-3'